The following is an entry in ClinVar:

NM_018249.6(CDK5RAP2):c.1709C>A (p.Ser570Tyr)

Gene: CDK5RAP2 (CDK5 regulatory subunit associated protein 2; minus strand). Cytogenetic location: 9q33.2.
Variant type: single nucleotide variant.
Coding change: c.1709C>A on transcript NM_018249.6 (MANE Select); coding-DNA position 1709, C replaced by A.
Protein change: p.Ser570Tyr; replaces serine 570 with tyrosine.
Molecular consequence: missense variant. On other transcripts: non-coding transcript variant (5).
Genome position (GRCh38, 1-based): chr9:120,477,368, G>T on the plus strand (C>A on the coding strand, the complement: CDK5RAP2 is on the minus strand). VCF-style: chr9-120477368-G-T. GRCh37 (hg19) VCF-style: chr9-123239646-G-T.
Other names: c.1709C>A, p.Ser570Tyr (NM_001011649.3, NM_001272039.2, NM_001410992.1 and 2 more transcripts); short protein forms S570Y.
Identifiers: ClinVar variation 2085941 (VCV002085941.4), dbSNP rs886063397, ClinGen allele CA374710022.

ClinVar aggregate classification (germline): Uncertain significance (1 of 4 stars; one submission).

Submission:

Labcorp Genetics (formerly Invitae), Labcorp
Classification: Uncertain significance. Last evaluated: 2024-02-19. Review status: criteria provided, single submitter. Criteria: Invitae Variant Classification Sherloc (09022015). Collection method: clinical testing. Allele origin: germline.
Comment: This sequence change replaces serine, which is neutral and polar, with tyrosine, which is neutral and polar, at codon 570 of the CDK5RAP2 protein (p.Ser570Tyr). This variant is not present in population databases (gnomAD no frequency). This variant has not been reported in the literature in individuals affected with CDK5RAP2-related conditions. ClinVar contains an entry for this variant (Variation ID: 2085941). Algorithms developed to predict the effect of missense changes on protein structure and function output the following: SIFT: "Not Available"; PolyPhen-2: "Probably Damaging"; Align-GVGD: "Not Available". The tyrosine amino acid residue is found in multiple mammalian species, which suggests that this missense change does not adversely affect protein function. In summary, the available evidence is currently insufficient to determine the role of this variant in disease. Therefore, it has been classified as a Variant of Uncertain Significance.